The following is an entry in ClinVar:

ClinVar aggregate classification (germline): Uncertain significance (1 of 4 stars; one submission).

Allele frequency attached by ClinVar (database versions not stated): ExAC 0.00007; TOPMed 0.00010; gnomAD 0.00012; ESP Exome Variant Server 0.00015; 1000 Genomes Project 30x 0.00016.
gnomAD v4.1: 49 of 1,529,360 alleles (0.0032%); highest among the groups gnomAD compares: African/African-American, 0.028%; no homozygotes.

Submission:

Labcorp Genetics (formerly Invitae), Labcorp
Classification: Uncertain significance. Last evaluated: 2024-08-29. Review status: criteria provided, single submitter. Criteria: Invitae Variant Classification Sherloc (09022015). Collection method: clinical testing. Allele origin: germline.
Comment: This sequence change replaces alanine, which is neutral and non-polar, with threonine, which is neutral and polar, at codon 376 of the LZTS1 protein (p.Ala376Thr). This variant is present in population databases (rs371854944, gnomAD 0.05%), and has an allele count higher than expected for a pathogenic variant. This variant has not been reported in the literature in individuals affected with LZTS1-related conditions. ClinVar contains an entry for this variant (Variation ID: 2144401). Invitae Evidence Modeling of protein sequence and biophysical properties (such as structural, functional, and spatial information, amino acid conservation, physicochemical variation, residue mobility, and thermodynamic stability) indicates that this missense variant is not expected to disrupt LZTS1 protein function with a negative predictive value of 80%. In summary, the available evidence is currently insufficient to determine the role of this variant in disease. Therefore, it has been classified as a Variant of Uncertain Significance.

NM_021020.5(LZTS1):c.1126G>A (p.Ala376Thr)

Gene: LZTS1 (leucine zipper tumor suppressor 1; minus strand). Cytogenetic location: 8p21.3.
Variant type: single nucleotide variant.
Coding change: c.1126G>A on transcript NM_021020.5 (MANE Select); coding-DNA position 1126, G replaced by A.
Protein change: p.Ala376Thr; replaces alanine 376 with threonine.
Molecular consequence: missense variant.
Genome position (GRCh38, 1-based): chr8:20,252,805, C>T on the plus strand (G>A on the coding strand, the complement: LZTS1 is on the minus strand). VCF-style: chr8-20252805-C-T. GRCh37 (hg19) VCF-style: chr8-20110316-C-T.
Other names: c.1126G>A, p.Ala376Thr (NM_001362884.2); short protein forms A376T.
Identifiers: ClinVar variation 2144401 (VCV002144401.4), dbSNP rs371854944, ClinGen allele CA4657360.
Genomic context (GRCh38, chr8:20,252,805, plus strand): 5'-CTGACCACCCAAACCCATGAGCCCTGTGTGGCCTCACCTCCCACTGGGTCTCCTCCAGCG[C>T]GGGGCCGAAGCTGGTCTTCTCCCTCTCGTAGGACCTGAGCTTGGTCTCCAGCAGGTCCTG-3'
Protein context (NP_066300.1, residues 366-386): YEREKTSFGP[Ala376Thr]LEETQWEVCQ